The following is an entry in ClinVar:

NM_001035.3(RYR2):c.854G>T (p.Ser285Ile)

Gene: RYR2 (ryanodine receptor 2; plus strand). Cytogenetic location: 1q43.
Variant type: single nucleotide variant.
Coding change: c.854G>T on transcript NM_001035.3 (MANE Select); coding-DNA position 854, G replaced by T.
Protein change: p.Ser285Ile; replaces serine 285 with isoleucine.
Molecular consequence: missense variant.
Genome position (GRCh38, 1-based): chr1:237,423,097, G>T. VCF-style: chr1-237423097-G-T. GRCh37 (hg19) VCF-style: chr1-237586397-G-T.
Other names: c.854G>T, p.Ser285Ile (LRG_402t1); short protein forms S285I.
Identifiers: ClinVar variation 654791 (VCV000654791.10), dbSNP rs1342435908, ClinGen allele CA345385133.

ClinVar aggregate classification (germline): Likely pathogenic (1 of 4 stars; one submission).

Conditions:
Catecholaminergic polymorphic ventricular tachycardia 1. Also called: RYR2-Related Catecholaminergic Polymorphic Ventricular Tachycardia; VENTRICULAR TACHYCARDIA, CATECHOLAMINERGIC POLYMORPHIC, 1, WITH OR WITHOUT ATRIAL DYSFUNCTION AND/OR DILATED CARDIOMYOPATHY; VENTRICULAR TACHYCARDIA, STRESS-INDUCED POLYMORPHIC 1. Identifiers: Orphanet 3286, MedGen C1631597, MONDO:0011484, OMIM 604772.

Submission:

Labcorp Genetics (formerly Invitae), Labcorp
Classification: Likely pathogenic for Catecholaminergic polymorphic ventricular tachycardia 1. Last evaluated: 2018-09-04. Review status: criteria provided, single submitter. Criteria: Invitae Variant Classification Sherloc (09022015). Collection method: clinical testing. Allele origin: germline.
Comment: This sequence change replaces serine with isoleucine at codon 285 of the RYR2 protein (p.Ser285Ile). The serine residue is highly conserved and there is a large physicochemical difference between serine and isoleucine. This variant is not present in population databases (ExAC no frequency). Algorithms developed to predict the effect of missense changes on protein structure and function (SIFT, PolyPhen-2, Align-GVGD) all suggest that this variant is likely to be disruptive, but these predictions have not been confirmed by published functional studies and their clinical significance is uncertain. In summary, the currently available evidence indicates that the variant is pathogenic, but additional data are needed to prove that conclusively. Therefore, this variant has been classified as Likely Pathogenic.